The following is an entry in ClinVar:

ClinVar aggregate classification (germline): Likely benign. Review status: criteria provided, multiple submitters, no conflicts (2 of 4 stars). 10 submissions from 8 submitters: Likely benign (9). 1 of the submissions does not count toward it. Last evaluated 2026-02-01.

Conditions:
Hereditary cancer-predisposing syndrome. Also called: Hereditary Cancer Syndrome; Tumor predisposition; Hereditary neoplastic syndrome; Neoplastic Syndromes, Hereditary. Identifiers: Orphanet 140162, MedGen C0027672, MeSH D009386, MONDO:0015356.
CDC73-related disorder. Also called: CDC73-related condition; CDC73-related disorders. Identifiers: MedGen CN169292.
Parathyroid carcinoma (PRTC). Also called: Parathyroid gland carcinoma; CDC73-Related Parathyroid Carcinoma. Identifiers: Orphanet 143, MedGen C0687150, MONDO:0012004, OMIM 608266, HP:0006780.
Hyperparathyroidism 2 with jaw tumors. Also called: Hyperparathyroidism 2; HYPERPARATHYROIDISM, FAMILIAL PRIMARY, WITH MULTIPLE OSSIFYING JAW FIBROMAS; HYPERPARATHYROIDISM-JAW TUMOR SYNDROME, HEREDITARY; Hyperparathyroidism-Jaw Tumor Syndrome. Identifiers: Orphanet 99880, MedGen C1704981, MONDO:0007768, OMIM 145001.
Hyperparathyroidism 1 (HRPT1). Also called: HYPERPARATHYROIDISM, FAMILIAL ISOLATED PRIMARY. Identifiers: Orphanet 99879, MedGen C1840402, MONDO:0007767, OMIM 145000.

Allele frequency attached by ClinVar (database versions not stated): gnomAD exomes 0.00001 and 0.00002; ExAC 0.00002; gnomAD 0.00011 and 0.00012; 1000 Genomes Project 30x 0.00016; TOPMed 0.00016; 1000 Genomes Project 0.00020.
gnomAD v4.1: 42 of 1,610,182 alleles (0.0026%); highest among the groups gnomAD compares: African/African-American, 0.023%; no homozygotes.

Submissions (10):

Labcorp Genetics (formerly Invitae), Labcorp
Classification: Likely benign for Parathyroid carcinoma. Last evaluated: 2026-02-01. Review status: criteria provided, single submitter. Criteria: Invitae Variant Classification Sherloc (09022015). Collection method: clinical testing. Allele origin: germline.

Women's Health and Genetics/Laboratory Corporation of America, LabCorp
Classification: Likely benign. Last evaluated: 2025-06-16. Review status: criteria provided, single submitter. Criteria: LabCorp Variant Classification Summary - May 2015. Collection method: clinical testing. Allele origin: germline.

Blueprint Genetics
Classification: Likely benign. Last evaluated: 2024-02-06. Review status: criteria provided, single submitter. Criteria: ACMG Guidelines, 2015. Collection method: clinical testing. Allele origin: germline.

KCCC/NGS Laboratory, Kuwait Cancer Control Center
Classification: Likely benign for Hyperparathyroidism 2 with jaw tumors. Last evaluated: 2023-07-07. Review status: criteria provided, single submitter. Criteria: ACMG Guidelines, 2015. Collection method: clinical testing. Allele origin: germline. Affected: yes.

Fulgent Genetics
Classification: Likely benign for Hyperparathyroidism 1; Hyperparathyroidism 2 with jaw tumors; Parathyroid carcinoma. Last evaluated: 2022-02-18. Review status: criteria provided, single submitter. Criteria: ACMG Guidelines, 2015. Collection method: clinical testing. Allele origin: unknown.

Ambry Genetics
Classification: Likely benign for Hereditary cancer-predisposing syndrome. Last evaluated: 2020-01-17. Review status: criteria provided, single submitter. Criteria: Ambry Variant Classification Scheme 2023. Collection method: clinical testing. Allele origin: germline.

Illumina Laboratory Services, Illumina
Classification: Likely benign for Hyperparathyroidism 1. Last evaluated: 2017-04-28. Review status: criteria provided, single submitter. Criteria: ICSL Variant Classification Criteria 13 December 2019. Collection method: clinical testing. Allele origin: germline.
Comment: This variant was observed as part of a predisposition screen in an ostensibly healthy population. A literature search was performed for the gene, cDNA change, and amino acid change (where applicable). No publications were found based on this search. Allele frequency data from public databases allowed determination this variant is unlikely to cause disease. Therefore, this variant is classified as likely benign.

Illumina Laboratory Services, Illumina
Classification: Likely benign for Parathyroid carcinoma. Last evaluated: 2017-04-28. Review status: criteria provided, single submitter. Criteria: ICSL Variant Classification Criteria 13 December 2019. Collection method: clinical testing. Allele origin: germline.
Comment: the same text as in the submission from Illumina Laboratory Services, Illumina above.

Illumina Laboratory Services, Illumina
Classification: Likely benign for Hyperparathyroidism 2 with jaw tumors. Last evaluated: 2017-04-28. Review status: criteria provided, single submitter. Criteria: ICSL Variant Classification Criteria 13 December 2019. Collection method: clinical testing. Allele origin: germline.
Comment: This variant was observed as part of a predisposition screen in an ostensibly healthy population. A literature search was performed for the gene, cDNA change, and amino acid change (where applicable). Publications were found based on this search. The evidence from the literature, in combination with allele frequency data from public databases where available, was sufficient to determine this variant is unlikely to cause disease. Therefore, this variant is classified as likely benign.

PreventionGenetics, part of Exact Sciences
Classification: Likely benign for CDC73-related condition. Last evaluated: 2022-09-29. Review status: no assertion criteria provided. Collection method: clinical testing. Allele origin: germline. Not counted in ClinVar's aggregate classification.
Comment: This variant is classified as likely benign based on ACMG/AMP sequence variant interpretation guidelines (Richards et al. 2015 PMID: 25741868, with internal and published modifications).

Literature cited by the submitters: PubMed 20052758 (cited by Illumina Laboratory Services, Illumina).

NM_024529.5(CDC73):c.840G>A (p.Leu280=)

Gene: CDC73 (cell division cycle 73; plus strand). Cytogenetic location: 1q31.2.
Variant type: single nucleotide variant.
Coding change: c.840G>A on transcript NM_024529.5 (MANE Select); coding-DNA position 840, G replaced by A.
Protein change: p.Leu280=; no amino-acid change (leucine 280 retained).
Molecular consequence: synonymous variant.
Genome position (GRCh38, 1-based): chr1:193,150,315, G>A. VCF-style: chr1-193150315-G-A. GRCh37 (hg19) VCF-style: chr1-193119445-G-A.
Identifiers: ClinVar variation 241498 (VCV000241498.24), dbSNP rs10921320, ClinGen allele CA1303482.